The following is an entry in ClinVar:

NM_015295.3(SMCHD1):c.2786G>A (p.Arg929Gln)

Gene: SMCHD1 (structural maintenance of chromosomes flexible hinge domain containing 1; plus strand). Cytogenetic location: 18p11.32.
Variant type: single nucleotide variant.
Coding change: c.2786G>A on transcript NM_015295.3 (MANE Select); coding-DNA position 2786, G replaced by A.
Protein change: p.Arg929Gln; replaces arginine 929 with glutamine.
Molecular consequence: missense variant.
Genome position (GRCh38, 1-based): chr18:2,728,469, G>A. VCF-style: chr18-2728469-G-A. GRCh37 (hg19) VCF-style: chr18-2728467-G-A.
Other names: c.2786G>A (NM_015295.2); short protein forms R929Q.
Identifiers: ClinVar variation 2909419 (VCV002909419.5), dbSNP rs374128267, ClinGen allele CA8871066.

ClinVar aggregate classification (germline): Uncertain significance. Review status: criteria provided, multiple submitters, no conflicts (2 of 4 stars). 2 submissions from 2 submitters: Uncertain significance (2). Last evaluated 2025-08-02.

Conditions:
Inborn genetic diseases. Identifiers: MedGen C0950123, MeSH D030342.
Facioscapulohumeral muscular dystrophy 2 (FSHD2). Also called: MUSCULAR DYSTROPHY, FACIOSCAPULOHUMERAL, TYPE 1B; FACIOSCAPULOHUMERAL MUSCULAR DYSTROPHY 2, DIGENIC; FSHD2, DIGENIC. Identifiers: Orphanet 269, MedGen C1834671, MONDO:0008031, OMIM 158901.

Allele frequency attached by ClinVar (database versions not stated): gnomAD 0.00002; TOPMed 0.00002; gnomAD exomes 0.00003; ExAC 0.00004; ESP Exome Variant Server 0.00009.

Submissions (2):

Ambry Genetics
Classification: Uncertain significance for Inborn genetic diseases. Last evaluated: 2025-08-02. Review status: criteria provided, single submitter. Criteria: Ambry Variant Classification Scheme 2023. Collection method: clinical testing. Allele origin: germline.

Labcorp Genetics (formerly Invitae), Labcorp
Classification: Uncertain significance for Facioscapulohumeral muscular dystrophy 2. Last evaluated: 2024-01-10. Review status: criteria provided, single submitter. Criteria: Invitae Variant Classification Sherloc (09022015). Collection method: clinical testing. Allele origin: germline.
Comment: This sequence change replaces arginine, which is basic and polar, with glutamine, which is neutral and polar, at codon 929 of the SMCHD1 protein (p.Arg929Gln). This variant is present in population databases (rs374128267, gnomAD 0.03%). This variant has not been reported in the literature in individuals affected with SMCHD1-related conditions. Advanced modeling of protein sequence and biophysical properties (such as structural, functional, and spatial information, amino acid conservation, physicochemical variation, residue mobility, and thermodynamic stability) performed at Invitae indicates that this missense variant is not expected to disrupt SMCHD1 protein function with a negative predictive value of 80%. In summary, the available evidence is currently insufficient to determine the role of this variant in disease. Therefore, it has been classified as a Variant of Uncertain Significance.